The following is an entry in ClinVar:

ClinVar aggregate classification (germline): Uncertain significance. Review status: criteria provided, multiple submitters, no conflicts (2 of 4 stars). 2 submissions from 2 submitters: Uncertain significance (2). Last evaluated 2024-01-01.

Conditions:
RECQL4-related disorder. Also called: RECQL4-related disorders; RECQL4-related condition.
Baller-Gerold syndrome (BGS). Also called: CRANIOSYNOSTOSIS WITH RADIAL DEFECTS. Identifiers: Orphanet 1225, MedGen C0265308, MONDO:0009039, OMIM 218600.

Submissions (2):

Daryl Scott Lab, Baylor College of Medicine
Classification: Uncertain significance for RECQL4-related disorder. Last evaluated: 2024-01-01. Review status: criteria provided, single submitter. Criteria: ACMG Guidelines, 2015. Collection method: clinical testing. Allele origin: paternal. Observed: 1 heterozygote.
Comment: PM2, PP3

Labcorp Genetics (formerly Invitae), Labcorp
Classification: Uncertain significance for Baller-Gerold syndrome. Last evaluated: 2019-08-05. Review status: criteria provided, single submitter. Criteria: Invitae Variant Classification Sherloc (09022015). Collection method: clinical testing. Allele origin: germline.
Comment: This sequence change replaces alanine with glycine at codon 967 of the RECQL4 protein (p.Ala967Gly). The alanine residue is highly conserved and there is a small physicochemical difference between alanine and glycine. This variant is not present in population databases (ExAC no frequency). This variant has not been reported in the literature in individuals with RECQL4-related conditions. Algorithms developed to predict the effect of missense changes on protein structure and function (SIFT, PolyPhen-2, Align-GVGD) all suggest that this variant is likely to be disruptive, but these predictions have not been confirmed by published functional studies and their clinical significance is uncertain. Algorithms developed to predict the effect of sequence changes on RNA splicing suggest that this variant may create or strengthen a splice site, but this prediction has not been confirmed by published transcriptional studies. In summary, the available evidence is currently insufficient to determine the role of this variant in disease. Therefore, it has been classified as a Variant of Uncertain Significance.

NM_004260.4(RECQL4):c.2900C>G (p.Ala967Gly)

Gene: RECQL4 (RecQ like helicase 4; minus strand). Cytogenetic location: 8q24.3.
Variant type: single nucleotide variant.
Coding change: c.2900C>G on transcript NM_004260.4 (MANE Select); coding-DNA position 2900, C replaced by G.
Protein change: p.Ala967Gly; replaces alanine 967 with glycine.
Molecular consequence: missense variant.
Genome position (GRCh38, 1-based): chr8:144,512,547, G>C on the plus strand (C>G on the coding strand, the complement: RECQL4 is on the minus strand). VCF-style: chr8-144512547-G-C. GRCh37 (hg19) VCF-style: chr8-145737930-G-C.
Other names: short protein forms A967G.
Identifiers: ClinVar variation 962086 (VCV000962086.2), dbSNP rs1827447336, ClinGen allele CA372673604.
Genomic context (GRCh38, chr8:144,512,547, plus strand): 5'-AACTCCACGGAGCTGCTGCCTTGCCCTGGGTCCTCAGGCAGCTGCTGGGCCAAGCACACA[G>C]CCAAAGGGGGACACCTGTGCCCAGGGAAAAAGGGACATGTGGCCAACAGCCCTGATTCTC-3'
Protein context (NP_004251.4, residues 957-977): QALAHRCPPL[Ala967Gly]VCLAQQLPED